The following is an entry in ClinVar:

ClinVar aggregate classification (germline): Uncertain significance (1 of 4 stars; one submission).

Allele frequency attached by ClinVar (database versions not stated): gnomAD exomes below 0.00001.
gnomAD v4.1: 1 of 1,613,840 alleles (0.000062%); highest among the groups gnomAD compares: East Asian, 0.0022%; no homozygotes.

Submission:

Labcorp Genetics (formerly Invitae), Labcorp
Classification: Uncertain significance. Last evaluated: 2022-07-21. Review status: criteria provided, single submitter. Criteria: Invitae Variant Classification Sherloc (09022015). Collection method: clinical testing. Allele origin: germline.
Comment: This sequence change replaces glutamic acid, which is acidic and polar, with aspartic acid, which is acidic and polar, at codon 422 of the ABCC6 protein (p.Glu422Asp). The frequency data for this variant in the population databases is considered unreliable, as metrics indicate poor data quality at this position in the gnomAD database. This variant has not been reported in the literature in individuals affected with ABCC6-related conditions. Advanced modeling of protein sequence and biophysical properties (such as structural, functional, and spatial information, amino acid conservation, physicochemical variation, residue mobility, and thermodynamic stability) performed at Invitae indicates that this missense variant is not expected to disrupt ABCC6 protein function. In summary, the available evidence is currently insufficient to determine the role of this variant in disease. Therefore, it has been classified as a Variant of Uncertain Significance.

NM_001171.6(ABCC6):c.1266G>T (p.Glu422Asp)

Gene: ABCC6 (ATP binding cassette subfamily C member 6; minus strand). Cytogenetic location: 16p13.11.
Variant type: single nucleotide variant.
Coding change: c.1266G>T on transcript NM_001171.6 (MANE Select); coding-DNA position 1266, G replaced by T.
Protein change: p.Glu422Asp; replaces glutamic acid 422 with aspartic acid.
Molecular consequence: missense variant. On other transcripts: non-coding transcript variant (1).
Genome position (GRCh38, 1-based): chr16:16,198,093, C>A on the plus strand (G>T on the coding strand, the complement: ABCC6 is on the minus strand). VCF-style: chr16-16198093-C-A. GRCh37 (hg19) VCF-style: chr16-16291950-C-A.
Other names: c.924G>T, p.Glu308Asp (NM_001351800.1); short protein forms E308D, E422D.
Identifiers: ClinVar variation 1722299 (VCV001722299.5), dbSNP rs547565680, ClinGen allele CA7926385.
Genomic context (GRCh38, chr16:16,198,093, plus strand): 5'-GACGAAGCAGACCACGATCCAGACGAGAGGCAGCCACAGCCCGTTGAGGTAGAGGACGCT[C>A]TCGGTCAGCCGCTGCACGTCCACGGACACCAGATTGACCACATCACCCACCGCACTGGCC-3'
Protein context (NP_001162.5, residues 412-432): LVSVDVQRLT[Glu422Asp]SVLYLNGLWL